The following is an entry in ClinVar:

ClinVar aggregate classification (germline): Conflicting classifications of pathogenicity. Review status: criteria provided, conflicting classifications (1 of 4 stars). 2 submissions from 2 submitters: Uncertain significance (1); Likely benign (1). Last evaluated 2026-09-08.

Conditions:
Cardiovascular phenotype. Identifiers: MedGen CN230736.
Hereditary cancer-predisposing syndrome. Also called: Hereditary Cancer Syndrome; Tumor predisposition; Neoplastic Syndromes, Hereditary; Hereditary neoplastic syndrome. Identifiers: Orphanet 140162, MedGen C0027672, MeSH D009386, MONDO:0015356.
Neurofibromatosis, type 1 (NF1). Also called: NEUROFIBROMATOSIS, TYPE I, SOMATIC; Peripheral type neurofibromatosis; VON RECKLINGHAUSEN DISEASE; Neurofibromatosis, type I. Identifiers: Orphanet 636, MedGen C0027831, MONDO:0018975, OMIM 162200. Disease mechanism: loss of function.

Submissions (2):

Ambry Genetics
Classification: Likely benign for Cardiovascular phenotype; Hereditary cancer-predisposing syndrome. Last evaluated: 2026-09-08. Review status: criteria provided, single submitter. Criteria: Ambry Variant Classification Scheme 2023. Collection method: clinical testing. Allele origin: germline.

Labcorp Genetics (formerly Invitae), Labcorp
Classification: Uncertain significance for Neurofibromatosis, type 1. Last evaluated: 2021-09-08. Review status: criteria provided, single submitter. Criteria: Invitae Variant Classification Sherloc (09022015). Collection method: clinical testing. Allele origin: germline.
Comment: The frequency data for this variant in the population databases is considered unreliable, as metrics indicate insufficient coverage at this position in the ExAC database. This variant has not been reported in the literature in individuals affected with NF1-related conditions. Advanced modeling of protein sequence and biophysical properties (such as structural, functional, and spatial information, amino acid conservation, physicochemical variation, residue mobility, and thermodynamic stability) performed at Invitae indicates that this missense variant is not expected to disrupt NF1 protein function. In summary, the available evidence is currently insufficient to determine the role of this variant in disease. Therefore, it has been classified as a Variant of Uncertain Significance. This sequence change replaces alanine with serine at codon 2 of the NF1 protein (p.Ala2Ser). The alanine residue is weakly conserved and there is a moderate physicochemical difference between alanine and serine.

NM_001042492.3(NF1):c.4G>T (p.Ala2Ser)

Genes: MIR4733HG (MIR4733 host gene; minus strand), NF1 (neurofibromin 1; plus strand), LOC111811965 (NF1 (neurofibromin 1) promoter region; plus strand). Cytogenetic location: 17q11.2.
Variant type: single nucleotide variant.
Coding change: c.4G>T on transcript NM_001042492.3 (MANE Select); coding-DNA position 4, G replaced by T.
Protein change: p.Ala2Ser; replaces alanine 2 with serine.
Molecular consequence: missense variant. On other transcripts: non-coding transcript variant (1).
Genome position (GRCh38, 1-based): chr17:31,095,313, G>T. VCF-style: chr17-31095313-G-T. GRCh37 (hg19) VCF-style: chr17-29422331-G-T.
Other names: c.4G>T, p.Ala2Ser (NM_000267.4, NM_001128147.3); short protein forms A2S.
Identifiers: ClinVar variation 1463829 (VCV001463829.9), dbSNP rs2143144232, ClinGen allele CA398979164.